The following is an entry in ClinVar:

NM_001958.5(EEF1A2):c.194C>T (p.Ala65Val)

Gene: EEF1A2 (eukaryotic translation elongation factor 1 alpha 2; minus strand). Cytogenetic location: 20q13.33.
Variant type: single nucleotide variant.
Coding change: c.194C>T on transcript NM_001958.5 (MANE Select); coding-DNA position 194, C replaced by T.
Protein change: p.Ala65Val; replaces alanine 65 with valine.
Molecular consequence: missense variant.
Genome position (GRCh38, 1-based): chr20:63,495,986, G>A on the plus strand (C>T on the coding strand, the complement: EEF1A2 is on the minus strand). VCF-style: chr20-63495986-G-A. GRCh37 (hg19) VCF-style: chr20-62127339-G-A.
Other names: c.194C>T (NM_001958.2); short protein forms A65V.
Identifiers: ClinVar variation 569837 (VCV000569837.12), dbSNP rs1238718880, ClinGen allele CA409651538.
Genomic context (GRCh38, chr20:63,495,986, plus strand): 5'-TACTTGGTGGTCTCGAACTTCCAGAGGGAGATGTCGATGGTGATGCCGCGCTCACGCTCC[G>A]CCTTCAGCTTGTCCAGCACCCAGGCATACTTGAAGGATCCCTTCCCCATCTGGAGCGGGT-3'
Protein context (NP_001949.1, residues 55-75): KYAWVLDKLK[Ala65Val]ERERGITIDI

ClinVar aggregate classification (germline): Uncertain significance. Review status: criteria provided, multiple submitters, no conflicts (2 of 4 stars). 3 submissions from 3 submitters: Uncertain significance (3). Last evaluated 2023-11-28.

Conditions:
Developmental and epileptic encephalopathy, 33 (DEE33). Also called: Epileptic encephalopathy, early infantile, 33. Identifiers: Orphanet 442835, MedGen C4225337, MONDO:0014625, OMIM 616409.
Inborn genetic diseases. Identifiers: MedGen C0950123, MeSH D030342.

Allele frequency attached by ClinVar (database versions not stated): gnomAD exomes below 0.00001; TOPMed below 0.00001.
gnomAD v4.1: 6 of 1,613,050 alleles (0.00037%); highest among the groups gnomAD compares: Non-Finnish European, 0.00051%; no homozygotes.

Submissions (3):

Ambry Genetics
Classification: Uncertain significance for Inborn genetic diseases. Last evaluated: 2023-11-28. Review status: criteria provided, single submitter. Criteria: Ambry Variant Classification Scheme 2023. Collection method: clinical testing. Allele origin: germline.

Labcorp Genetics (formerly Invitae), Labcorp
Classification: Uncertain significance for Developmental and epileptic encephalopathy, 33. Last evaluated: 2023-03-18. Review status: criteria provided, single submitter. Criteria: Invitae Variant Classification Sherloc (09022015). Collection method: clinical testing. Allele origin: germline.
Comment: ClinVar contains an entry for this variant (Variation ID: 569837). This sequence change replaces alanine, which is neutral and non-polar, with valine, which is neutral and non-polar, at codon 65 of the EEF1A2 protein (p.Ala65Val). This variant is not present in population databases (gnomAD no frequency). This variant has not been reported in the literature in individuals affected with EEF1A2-related conditions. Advanced modeling of protein sequence and biophysical properties (such as structural, functional, and spatial information, amino acid conservation, physicochemical variation, residue mobility, and thermodynamic stability) performed at Invitae indicates that this missense variant is not expected to disrupt EEF1A2 protein function. In summary, the available evidence is currently insufficient to determine the role of this variant in disease. Therefore, it has been classified as a Variant of Uncertain Significance.

GeneDx
Classification: Uncertain significance. Last evaluated: 2020-09-18. Review status: criteria provided, single submitter. Criteria: GeneDx Variant Classification Process June 2021. Collection method: clinical testing. Allele origin: germline. Affected: yes.
Comment: Not observed in large population cohorts (Lek et al., 2016); In silico analysis supports that this missense variant has a deleterious effect on protein structure/function; Has not been previously published as pathogenic or benign to our knowledge